The following is an entry in ClinVar:

NM_021615.5(CHST6):c.680del (p.Gly227fs)

Gene: CHST6 (carbohydrate sulfotransferase 6; minus strand). Cytogenetic location: 16q23.1.
Variant type: Deletion.
Coding change: c.680del on transcript NM_021615.5 (MANE Select); coding-DNA position 680, one base deleted (G; older notation c.680delG).
Protein change: p.Gly227fs; shifts the reading frame from glycine 227.
Molecular consequence: frameshift variant.
Genome position (GRCh38, 1-based): chr16:75,479,149, C deleted on the plus strand (G on the coding strand, the reverse complement: CHST6 is on the minus strand); the first of 3 consecutive C bases (chr16:75,479,149-75,479,151); deleting any one gives the same sequence. VCF-style (leftmost placement, unchanged base first): chr16-75479148-GC-G. GRCh37 (hg19) VCF-style: chr16-75513046-GC-G.
Other names: short protein forms G227fs.
Identifiers: ClinVar variation 3722066 (VCV003722066.2).

ClinVar aggregate classification (germline): Pathogenic (1 of 4 stars; one submission).

Conditions:
Macular corneal dystrophy (MCD). Also called: GROENOUW TYPE II CORNEAL DYSTROPHY; Macular corneal dystrophy Type I. Identifiers: Orphanet 98969, MedGen C1636149, MONDO:0009020, OMIM 217800.

Submission:

Labcorp Genetics (formerly Invitae), Labcorp
Classification: Pathogenic for Macular corneal dystrophy. Last evaluated: 2024-11-03. Review status: criteria provided, single submitter. Criteria: Invitae Variant Classification Sherloc (09022015). Collection method: clinical testing. Allele origin: germline.
Comment: This sequence change creates a premature translational stop signal (p.Gly227Alafs*154) in the CHST6 gene. While this is not anticipated to result in nonsense mediated decay, it is expected to disrupt the last 169 amino acid(s) of the CHST6 protein. This variant is not present in population databases (gnomAD no frequency). This variant has not been reported in the literature in individuals affected with CHST6-related conditions. This variant disrupts a region of the CHST6 protein in which other variant(s) (p.Trp333Arg) have been determined to be pathogenic (PMID: 32472422, 35985662; Internal data). This suggests that this is a clinically significant region of the protein, and that variants that disrupt it are likely to be disease-causing. For these reasons, this variant has been classified as Pathogenic.

Literature cited by the submitters: PubMed 32472422; PubMed 35985662.